The following is an entry in ClinVar:

ClinVar aggregate classification (germline): Uncertain significance (1 of 4 stars; one submission).

Conditions:
Progressive familial heart block type IB (PFHB1B). Identifiers: Orphanet 871, MedGen C1970298, MONDO:0011474, OMIM 604559.

Submission:

Labcorp Genetics (formerly Invitae), Labcorp
Classification: Uncertain significance for Progressive familial heart block type IB. Last evaluated: 2022-05-01. Review status: criteria provided, single submitter. Criteria: Invitae Variant Classification Sherloc (09022015). Collection method: clinical testing. Allele origin: germline.
Comment: In summary, the available evidence is currently insufficient to determine the role of this variant in disease. Therefore, it has been classified as a Variant of Uncertain Significance. Algorithms developed to predict the effect of sequence changes on RNA splicing suggest that this variant may create or strengthen a splice site. Algorithms developed to predict the effect of missense changes on protein structure and function are either unavailable or do not agree on the potential impact of this missense change (SIFT: "Tolerated"; PolyPhen-2: "Probably Damaging"; Align-GVGD: "Class C0"). This variant has not been reported in the literature in individuals affected with TRPM4-related conditions. This variant is not present in population databases (gnomAD no frequency). This sequence change replaces aspartic acid, which is acidic and polar, with glycine, which is neutral and non-polar, at codon 29 of the TRPM4 protein (p.Asp29Gly).

NM_017636.4(TRPM4):c.86A>G (p.Asp29Gly)

Gene: TRPM4 (transient receptor potential cation channel subfamily M member 4; plus strand). Cytogenetic location: 19q13.33.
Variant type: single nucleotide variant.
Coding change: c.86A>G on transcript NM_017636.4 (MANE Select); coding-DNA position 86, A replaced by G.
Protein change: p.Asp29Gly; replaces aspartic acid 29 with glycine.
Molecular consequence: missense variant. On other transcripts: 5 prime UTR variant (3).
Genome position (GRCh38, 1-based): chr19:49,158,253, A>G. VCF-style: chr19-49158253-A-G. GRCh37 (hg19) VCF-style: chr19-49661510-A-G.
Other names: c.86A>G, p.Asp29Gly (NM_001195227.2, NM_001321281.2); c.-1287A>G (NM_001321282.2); c.-81A>G (NM_001321283.2); c.-244A>G (NM_001321285.2); short protein forms D29G.
Identifiers: ClinVar variation 2132548 (VCV002132548.4), dbSNP rs2514024721, ClinGen allele CA406788133.